The following is an entry in ClinVar:

ClinVar aggregate classification (germline): Likely benign. Review status: criteria provided, multiple submitters, no conflicts (2 of 4 stars). 3 submissions from 3 submitters: Likely benign (2). 1 of the submissions does not count toward it. Last evaluated 2025-12-06.

Conditions:
PROM1-related disorder. Also called: PROM1-related condition; PROM1-related disorders.

Allele frequency attached by ClinVar (database versions not stated): gnomAD exomes below 0.00001 and 0.00002; TOPMed 0.00002.
gnomAD v4.1: 37 of 1,613,896 alleles (0.0023%); highest among the groups gnomAD compares: Non-Finnish European, 0.0027%; no homozygotes.

Submissions (3):

Labcorp Genetics (formerly Invitae), Labcorp
Classification: Likely benign. Last evaluated: 2025-12-06. Review status: criteria provided, single submitter. Criteria: Invitae Variant Classification Sherloc (09022015). Collection method: clinical testing. Allele origin: germline.

Blueprint Genetics
Classification: Likely benign. Last evaluated: 2022-09-12. Review status: criteria provided, single submitter. Criteria: ACMG Guidelines, 2015. Collection method: clinical testing. Allele origin: germline.

PreventionGenetics, part of Exact Sciences
Classification: Likely benign for PROM1-related condition. Last evaluated: 2019-06-13. Review status: no assertion criteria provided. Collection method: clinical testing. Allele origin: germline. Not counted in ClinVar's aggregate classification.
Comment: This variant is classified as likely benign based on ACMG/AMP sequence variant interpretation guidelines (Richards et al. 2015 PMID: 25741868, with internal and published modifications).

NM_006017.3(PROM1):c.477A>G (p.Ala159=)

Gene: PROM1 (prominin 1; minus strand). Cytogenetic location: 4p15.32.
Variant type: single nucleotide variant.
Coding change: c.477A>G on transcript NM_006017.3 (MANE Select); coding-DNA position 477, A replaced by G.
Protein change: p.Ala159=; no amino-acid change (alanine 159 retained).
Molecular consequence: synonymous variant.
Genome position (GRCh38, 1-based): chr4:16,033,336, T>C on the plus strand (A>G on the coding strand, the complement: PROM1 is on the minus strand). VCF-style: chr4-16033336-T-C. GRCh37 (hg19) VCF-style: chr4-16034959-T-C.
Other names: c.450A>G, p.Ala150= (NM_001145847.2, NM_001145848.2, NM_001145851.2 and 4 more transcripts); c.477A>G, p.Ala159= (NM_001145849.2, NM_001145850.2); c.477A>G (NM_006017.2).
Identifiers: ClinVar variation 1089343 (VCV001089343.12), dbSNP rs993866138, ClinGen allele CA92573030.